The following is an entry in ClinVar:

ClinVar aggregate classification (germline): Uncertain significance (0 of 4 stars; one submission).

Conditions:
SLC12A2-related disorder. Also called: SLC12A2-related condition; SLC12A2-related disorders.

gnomAD v4.1: 11 of 1,609,502 alleles (0.00068%); highest among the groups gnomAD compares: Admixed American, 0.017%; no homozygotes.

Submission:

PreventionGenetics, part of Exact Sciences
Classification: Uncertain significance for SLC12A2-related condition. Last evaluated: 2024-07-12. Review status: no assertion criteria provided. Collection method: clinical testing. Allele origin: germline.
Comment: The SLC12A2 c.530C>T variant is predicted to result in the amino acid substitution p.Thr177Met. To our knowledge, this variant has not been reported in the literature. This variant is reported in 0.0089% of alleles in individuals of Latino descent in gnomAD. At this time, the clinical significance of this variant is uncertain due to the absence of conclusive functional and genetic evidence.

NM_001046.3(SLC12A2):c.530C>T (p.Thr177Met)

Gene: SLC12A2 (solute carrier family 12 member 2; plus strand). Cytogenetic location: 5q23.3.
Variant type: single nucleotide variant.
Coding change: c.530C>T on transcript NM_001046.3 (MANE Select); coding-DNA position 530, C replaced by T.
Protein change: p.Thr177Met; replaces threonine 177 with methionine.
Molecular consequence: missense variant. On other transcripts: non-coding transcript variant (1).
Genome position (GRCh38, 1-based): chr5:128,084,484, C>T. VCF-style: chr5-128084484-C-T. GRCh37 (hg19) VCF-style: chr5-127420176-C-T.
Other names: c.530C>T, p.Thr177Met (NM_001256461.2); short protein forms T177M.
Identifiers: ClinVar variation 3356933 (VCV003356933.1).